The following is an entry in ClinVar:

NM_000307.5(POU3F4):c.509C>G (p.Pro170Arg)

Gene: POU3F4 (POU class 3 homeobox 4; plus strand). Cytogenetic location: Xq21.1.
Variant type: single nucleotide variant.
Coding change: c.509C>G on transcript NM_000307.5 (MANE Select); coding-DNA position 509, C replaced by G.
Protein change: p.Pro170Arg; replaces proline 170 with arginine.
Molecular consequence: missense variant.
Genome position (GRCh38, 1-based): chrX:83,508,833, C>G. VCF-style: chrX-83508833-C-G. GRCh37 (hg19) VCF-style: chrX-82763841-C-G.
Other names: short protein forms P170R.
Identifiers: ClinVar variation 2795598 (VCV002795598.3), dbSNP rs2520216290, ClinGen allele CA413751675.

ClinVar aggregate classification (germline): Uncertain significance (1 of 4 stars; one submission).

Submission:

Labcorp Genetics (formerly Invitae), Labcorp
Classification: Uncertain significance. Last evaluated: 2023-01-15. Review status: criteria provided, single submitter. Criteria: Invitae Variant Classification Sherloc (09022015). Collection method: clinical testing. Allele origin: germline.
Comment: In summary, the available evidence is currently insufficient to determine the role of this variant in disease. Therefore, it has been classified as a Variant of Uncertain Significance. Advanced modeling of protein sequence and biophysical properties (such as structural, functional, and spatial information, amino acid conservation, physicochemical variation, residue mobility, and thermodynamic stability) performed at Invitae indicates that this missense variant is not expected to disrupt POU3F4 protein function. This variant has not been reported in the literature in individuals affected with POU3F4-related conditions. This variant is not present in population databases (gnomAD no frequency). This sequence change replaces proline, which is neutral and non-polar, with arginine, which is basic and polar, at codon 170 of the POU3F4 protein (p.Pro170Arg).